The following is an entry in ClinVar:

ClinVar aggregate classification (germline): Uncertain significance (1 of 4 stars; one submission).

Conditions:
Neurofibromatosis, type 1 (NF1). Also called: VON RECKLINGHAUSEN DISEASE; NEUROFIBROMATOSIS, TYPE I, SOMATIC; Neurofibromatosis, type I; Peripheral type neurofibromatosis. Identifiers: Orphanet 636, MedGen C0027831, MONDO:0018975, OMIM 162200. Disease mechanism: loss of function.

Submission:

Labcorp Genetics (formerly Invitae), Labcorp
Classification: Uncertain significance for Neurofibromatosis, type 1. Last evaluated: 2024-03-26. Review status: criteria provided, single submitter. Criteria: Invitae Variant Classification Sherloc (09022015). Collection method: clinical testing. Allele origin: germline.
Comment: This sequence change falls in intron 56 of the NF1 gene. It does not directly change the encoded amino acid sequence of the NF1 protein. It affects a nucleotide within the consensus splice site. This variant is not present in population databases (gnomAD no frequency). This variant has not been reported in the literature in individuals affected with NF1-related conditions. ClinVar contains an entry for this variant (Variation ID: 2030137). Variants that disrupt the consensus splice site are a relatively common cause of aberrant splicing (PMID: 17576681, 9536098). Algorithms developed to predict the effect of sequence changes on RNA splicing suggest that this variant may disrupt the consensus splice site. In summary, the available evidence is currently insufficient to determine the role of this variant in disease. Therefore, it has been classified as a Variant of Uncertain Significance.

Literature cited by the submitters: PubMed 17576681; PubMed 9536098.

NM_001042492.3(NF1):c.8377+6T>C

Gene: NF1 (neurofibromin 1; plus strand). Cytogenetic location: 17q11.2.
Variant type: single nucleotide variant.
Coding change: c.8377+6T>C on transcript NM_001042492.3 (MANE Select); 6 bases into the intron after coding-DNA position 8377, T replaced by C.
Molecular consequence: intron variant.
Genome position (GRCh38, 1-based): chr17:31,360,709, T>C. VCF-style: chr17-31360709-T-C. GRCh37 (hg19) VCF-style: chr17-29687727-T-C.
Other names: c.8314+6T>C (NM_000267.4).
Identifiers: ClinVar variation 2030137 (VCV002030137.4), dbSNP rs1309023153, ClinGen allele CA2580093029.